The following is an entry in ClinVar:

NM_005562.3(LAMC2):c.1849A>T (p.Lys617Ter)

Gene: LAMC2 (laminin subunit gamma 2; plus strand). Cytogenetic location: 1q25.3.
Variant type: single nucleotide variant.
Coding change: c.1849A>T on transcript NM_005562.3 (MANE Select); coding-DNA position 1849, A replaced by T.
Protein change: p.Lys617Ter; replaces lysine 617 with a stop codon.
Molecular consequence: nonsense.
Genome position (GRCh38, 1-based): chr1:183,231,095, A>T. VCF-style: chr1-183231095-A-T. GRCh37 (hg19) VCF-style: chr1-183200230-A-T.
Other names: c.1849A>T, p.Lys617Ter (NM_018891.3); short protein forms K617*.
Identifiers: ClinVar variation 1071949 (VCV001071949.7), dbSNP rs2102237469, ClinGen allele CA343691146.
Genomic context (GRCh38, chr1:183,231,095, plus strand): 5'-TTTGGTGGCCCCAACTGTGAGCATGGAGCATTCAGCTGTCCAGCTTGCTATAATCAAGTG[A>T]AGATTCAGGTATGCATTCTTCCCCTTACCACCCCCAACCCCACAGAATCAAATCCTTAAG-3'

ClinVar aggregate classification (germline): Pathogenic (1 of 4 stars; one submission).

Submission:

Labcorp Genetics (formerly Invitae), Labcorp
Classification: Pathogenic. Last evaluated: 2020-10-12. Review status: criteria provided, single submitter. Criteria: Invitae Variant Classification Sherloc (09022015). Collection method: clinical testing. Allele origin: germline.
Comment: For these reasons, this variant has been classified as Pathogenic. Loss-of-function variants in LAMC2 are known to be pathogenic (PMID: 11907499, 16473856). This variant has not been reported in the literature in individuals with LAMC2-related conditions. This variant is not present in population databases (ExAC no frequency). This sequence change creates a premature translational stop signal (p.Lys617*) in the LAMC2 gene. It is expected to result in an absent or disrupted protein product.

Literature cited by the submitters: PubMed 11907499; PubMed 16473856.